The following is an entry in ClinVar:

ClinVar aggregate classification (germline): Pathogenic (1 of 4 stars; one submission).

Submission:

CeGaT Center for Human Genetics Tuebingen
Classification: Pathogenic. Last evaluated: 2022-10-01. Review status: criteria provided, single submitter. Criteria: CeGaT Center For Human Genetics Tuebingen Variant Classification Criteria Version 2. Collection method: clinical testing. Allele origin: germline. Affected: yes. Observed: 1 variant allele.
Comment: NBEA: PVS1, PS2, PM2

NM_001385012.1(NBEA):c.1400C>A (p.Ser467Ter)

Gene: NBEA (neurobeachin; plus strand). Cytogenetic location: 13q13.3.
Variant type: single nucleotide variant.
Coding change: c.1400C>A on transcript NM_001385012.1 (MANE Select); coding-DNA position 1400, C replaced by A.
Protein change: p.Ser467Ter; replaces serine 467 with a stop codon.
Molecular consequence: nonsense.
Genome position (GRCh38, 1-based): chr13:35,070,068, C>A. VCF-style: chr13-35070068-C-A. GRCh37 (hg19) VCF-style: chr13-35644205-C-A.
Other names: c.1400C>A, p.Ser467Ter (NM_001379245.1, NM_015678.5); short protein forms S467*.
Identifiers: ClinVar variation 1879251 (VCV001879251.29), dbSNP rs2502559210, ClinGen allele CA387968618.